The following is an entry in ClinVar:

ClinVar aggregate classification (germline): Uncertain significance (1 of 4 stars; one submission).

Conditions:
Bloom syndrome (BLM). Also called: Bloom-Torre-Machacek syndrome. Identifiers: Orphanet 125, MedGen C0005859, MONDO:0008876, OMIM 210900.

gnomAD v4.1: 3 of 1,604,992 alleles (0.00019%); highest among the groups gnomAD compares: Non-Finnish European, 0.00026%; no homozygotes.

Submission:

Labcorp Genetics (formerly Invitae), Labcorp
Classification: Uncertain significance for Bloom syndrome. Last evaluated: 2025-07-09. Review status: criteria provided, single submitter. Criteria: Invitae Variant Classification Sherloc (09022015). Collection method: clinical testing. Allele origin: germline.
Comment: This sequence change replaces arginine, which is basic and polar, with lysine, which is basic and polar, at codon 1016 of the BLM protein (p.Arg1016Lys). This variant is not present in population databases (gnomAD no frequency). This variant has not been reported in the literature in individuals affected with BLM-related conditions. ClinVar contains an entry for this variant (Variation ID: 3646484). Invitae Evidence Modeling of protein sequence and biophysical properties (such as structural, functional, and spatial information, amino acid conservation, physicochemical variation, residue mobility, and thermodynamic stability) indicates that this missense variant is not expected to disrupt BLM protein function with a negative predictive value of 80%. In summary, the available evidence is currently insufficient to determine the role of this variant in disease. Therefore, it has been classified as a Variant of Uncertain Significance.

NM_000057.4(BLM):c.3047G>A (p.Arg1016Lys)

Gene: BLM (BLM RecQ like helicase; plus strand). Cytogenetic location: 15q26.1.
Variant type: single nucleotide variant.
Coding change: c.3047G>A on transcript NM_000057.4 (MANE Select); coding-DNA position 3047, G replaced by A.
Protein change: p.Arg1016Lys; replaces arginine 1016 with lysine.
Molecular consequence: missense variant.
Genome position (GRCh38, 1-based): chr15:90,794,194, G>A. VCF-style: chr15-90794194-G-A. GRCh37 (hg19) VCF-style: chr15-91337424-G-A.
Other names: c.3047G>A, p.Arg1016Lys (NM_001287246.2, NM_001287247.2); c.1922G>A, p.Arg641Lys (NM_001287248.2); short protein forms R1016K, R641K.
Identifiers: ClinVar variation 3646484 (VCV003646484.2).
Genomic context (GRCh38, chr15:90,794,194, plus strand): 5'-AGTATGTCTTACTATAGTCTTCATCTCTTTTAGTGGAAAAAGATGGAAACCATCATACAA[G>A]AGAAACTCACTTCAATAATTTGTATAGCATGGTACATTACTGTGAAAATATAACGGAATG-3'
Protein context (NP_000048.1, residues 1006-1026): MMEKDGNHHT[Arg1016Lys]ETHFNNLYSM